The following is an entry in ClinVar:

ClinVar aggregate classification (germline): Pathogenic (1 of 4 stars; one submission).

Conditions:
Polyglandular autoimmune syndrome, type 1 (APS1). Also called: AUTOIMMUNE POLYENDOCRINE SYNDROME, TYPE I, WITH OR WITHOUT REVERSIBLE METAPHYSEAL DYSPLASIA; APS I; HYPOADRENOCORTICISM WITH HYPOPARATHYROIDISM AND SUPERFICIAL MONILIASIS; PGA I; Autoimmune polyendocrine syndrome type 1; Whitaker syndrome. Identifiers: Orphanet 3453, MedGen C0085859, MONDO:0009411, OMIM 240300.

Submission:

Myriad Genetics, Inc.
Classification: Pathogenic for Polyglandular autoimmune syndrome, type 1. Last evaluated: 2025-11-04. Review status: criteria provided, single submitter. Criteria: Myriad Autosomal Dominant, Autosomal Recessive and X-Linked Classification Criteria (2023). Collection method: clinical testing. Allele origin: unknown.
Comment: NM_000383.3(AIRE):c.511_523dup13(L175Rfs*46) is expected to be pathogenic in the context of autoimmune polyglandular syndrome type 1. This variant is predicted to lead to an abnormal or absent protein product due to the creation of a premature termination codon in AIRE, a gene where loss-of-function variants are known to be pathogenic. Please note: this variant was assessed in the context of healthy population screening.

NM_000383.4(AIRE):c.511_523dup (p.Leu175fs)

Gene: AIRE (autoimmune regulator; plus strand). Cytogenetic location: 21q22.3.
Variant type: Duplication.
Coding change: c.511_523dup on transcript NM_000383.4 (MANE Select); coding-DNA positions 511 to 523, 13 bases duplicated (GAGCAGCAGCGCC).
Protein change: p.Leu175fs; shifts the reading frame from leucine 175.
Molecular consequence: frameshift variant.
Genome position (GRCh38, 1-based): chr21:44,287,564-44,287,576, GAGCAGCAGCGCC duplicated. VCF-style (leftmost placement, unchanged base first): chr21-44287563-A-AGAGCAGCAGCGCC. GRCh37 (hg19) VCF-style: chr21-45707446-A-AGAGCAGCAGCGCC.
Other names: short protein forms L175fs.
Identifiers: ClinVar variation 5015172 (VCV005015172.1).